The following is an entry in ClinVar:

NM_001371986.1(UNC80):c.7330C>T (p.Leu2444=)

Gene: UNC80 (unc-80 subunit of NALCN channel complex; plus strand). Cytogenetic location: 2q34.
Variant type: single nucleotide variant.
Coding change: c.7330C>T on transcript NM_001371986.1 (MANE Select); coding-DNA position 7330, C replaced by T.
Protein change: p.Leu2444=; no amino-acid change (leucine 2444 retained).
Molecular consequence: synonymous variant.
Genome position (GRCh38, 1-based): chr2:209,954,143, C>T. VCF-style: chr2-209954143-C-T. GRCh37 (hg19) VCF-style: chr2-210818867-C-T.
Other names: c.7132C>T, p.Leu2378= (NM_032504.2); c.7117C>T, p.Leu2373= (NM_182587.4).
Identifiers: ClinVar variation 2118834 (VCV002118834.4), dbSNP rs2471194669, ClinGen allele CA431098876.

ClinVar aggregate classification (germline): Uncertain significance (1 of 4 stars; one submission).

Submission:

Labcorp Genetics (formerly Invitae), Labcorp
Classification: Uncertain significance. Last evaluated: 2022-03-30. Review status: criteria provided, single submitter. Criteria: Invitae Variant Classification Sherloc (09022015). Collection method: clinical testing. Allele origin: germline.
Comment: This sequence change affects codon 2378 of the UNC80 mRNA. It is a 'silent' change, meaning that it does not change the encoded amino acid sequence of the UNC80 protein. In summary, the available evidence is currently insufficient to determine the role of this variant in disease. Therefore, it has been classified as a Variant of Uncertain Significance. Algorithms developed to predict the effect of sequence changes on RNA splicing suggest that this variant may disrupt the consensus splice site. This variant has not been reported in the literature in individuals affected with UNC80-related conditions. This variant is not present in population databases (gnomAD no frequency).